The following is an entry in ClinVar:

ClinVar aggregate classification (germline): Uncertain significance (1 of 4 stars; one submission).

Conditions:
Familial focal epilepsy with variable foci (FPEVF). Identifiers: Orphanet 98820, MedGen C1858477, MONDO:0020310.

Allele frequency attached by ClinVar (database versions not stated): gnomAD exomes below 0.00001; TOPMed 0.00001.
gnomAD v4.1: 1 of 1,614,060 alleles (0.000062%); highest among the groups gnomAD compares: Non-Finnish European, 0.000085%; no homozygotes.

Submission:

Labcorp Genetics (formerly Invitae), Labcorp
Classification: Uncertain significance for Familial focal epilepsy with variable foci. Last evaluated: 2025-11-03. Review status: criteria provided, single submitter. Criteria: Invitae Variant Classification Sherloc (09022015). Collection method: clinical testing. Allele origin: germline.
Comment: This sequence change replaces glycine, which is neutral and non-polar, with aspartic acid, which is acidic and polar, at codon 735 of the DEPDC5 protein (p.Gly735Asp). This variant is not present in population databases (gnomAD no frequency). This variant has not been reported in the literature in individuals affected with DEPDC5-related conditions. ClinVar contains an entry for this variant (Variation ID: 1371332). Experimental studies and prediction algorithms are not available or were not evaluated, and the functional significance of this variant is currently unknown. In summary, the available evidence is currently insufficient to determine the role of this variant in disease. Therefore, it has been classified as a Variant of Uncertain Significance.

NM_001242896.3(DEPDC5):c.2204G>A (p.Gly735Asp)

Gene: DEPDC5 (DEP domain containing 5, GATOR1 subcomplex subunit; plus strand). Cytogenetic location: 22q12.3.
Variant type: single nucleotide variant.
Coding change: c.2204G>A on transcript NM_001242896.3 (MANE Select); coding-DNA position 2204, G replaced by A.
Protein change: p.Gly735Asp; replaces glycine 735 with aspartic acid.
Molecular consequence: missense variant. On other transcripts: non-coding transcript variant (4).
Genome position (GRCh38, 1-based): chr22:31,837,005, G>A. VCF-style: chr22-31837005-G-A. GRCh37 (hg19) VCF-style: chr22-32232991-G-A.
Other names: c.2177G>A, p.Gly726Asp (NM_001136029.4, NM_001369903.1, NM_014662.6); c.1970G>A, p.Gly657Asp (NM_001242897.2, NM_001363854.2, NM_001364319.2); c.2204G>A, p.Gly735Asp (NM_001363852.2, NM_001364318.2, NM_001364320.2); c.2120G>A, p.Gly707Asp (NM_001369901.1, NM_001369902.1); short protein forms G726D, G657D, G707D, G735D.
Identifiers: ClinVar variation 1371332 (VCV001371332.6), dbSNP rs2091055448, ClinGen allele CA411285161.